The following is an entry in ClinVar:

NM_001329943.3(KIAA0586):c.3053C>T (p.Ala1018Val)

Gene: KIAA0586 (KIAA0586; plus strand). Cytogenetic location: 14q23.1.
Variant type: single nucleotide variant.
Coding change: c.3053C>T on transcript NM_001329943.3 (MANE Select); coding-DNA position 3053, C replaced by T.
Protein change: p.Ala1018Val; replaces alanine 1018 with valine.
Molecular consequence: missense variant.
Genome position (GRCh38, 1-based): chr14:58,482,621, C>T. VCF-style: chr14-58482621-C-T. GRCh37 (hg19) VCF-style: chr14-58949339-C-T.
Other names: c.3212C>T, p.Ala1071Val (NM_001244189.2); c.3008C>T, p.Ala1003Val (NM_001244190.2); c.2798C>T, p.Ala933Val (NM_001244191.2, NM_001329945.2, NM_001364700.1 and 1 more transcripts); c.2921C>T, p.Ala974Val (NM_001244192.2); c.2633C>T, p.Ala878Val (NM_001244193.2); c.3053C>T, p.Ala1018Val (NM_001329944.2, NM_001329946.2, NM_001329947.2); c.2825C>T, p.Ala942Val (NM_014749.5); c.3212C>T (NM_001244189.1); short protein forms A974V, A878V, A933V, A1003V, A1018V, A1071V, A942V.
Identifiers: ClinVar variation 2254761 (VCV002254761.3), dbSNP rs182274649, ClinGen allele CA389879948.
Genomic context (GRCh38, chr14:58,482,621, plus strand): 5'-TTCCTGTGAACTCAAATGTGATTAAACATTTTGTTAACGAAGCTCTTGCTGAGACCATTG[C>T]TGTCATGCTGGGTGACAGAGAAGCAAAGAAGCAAGGTCCTGTTGCTACAGGTGTTTCTGG-3'
Protein context (NP_001316872.1, residues 1008-1028): FVNEALAETI[Ala1018Val]VMLGDREAKK

ClinVar aggregate classification (germline): Uncertain significance. Review status: criteria provided, multiple submitters, no conflicts (2 of 4 stars). 2 submissions from 2 submitters: Uncertain significance (2). Last evaluated 2024-12-23.

Conditions:
Inborn genetic diseases. Identifiers: MedGen C0950123, MeSH D030342.

gnomAD v4.1: 3 of 1,609,100 alleles (0.00019%); highest among the groups gnomAD compares: East Asian, 0.0022%; no homozygotes.

Submissions (2):

GeneDx
Classification: Uncertain significance. Last evaluated: 2024-12-23. Review status: criteria provided, single submitter. Criteria: GeneDx Variant Classification Process June 2021. Collection method: clinical testing. Allele origin: germline. Affected: yes.
Comment: In silico analysis supports that this missense variant has a deleterious effect on protein structure/function; Has not been previously published as pathogenic or benign to our knowledge

Ambry Genetics
Classification: Uncertain significance for Inborn genetic diseases. Last evaluated: 2021-10-12. Review status: criteria provided, single submitter. Criteria: Ambry Variant Classification Scheme 2023. Collection method: clinical testing. Allele origin: germline.